The following is an entry in ClinVar:

NM_014905.5(GLS):c.1589A>G (p.Tyr530Cys)

Gene: GLS (glutaminase; plus strand). Cytogenetic location: 2q32.2.
Variant type: single nucleotide variant.
Coding change: c.1589A>G on transcript NM_014905.5 (MANE Select); coding-DNA position 1589, A replaced by G.
Protein change: p.Tyr530Cys; replaces tyrosine 530 with cysteine.
Molecular consequence: missense variant.
Genome position (GRCh38, 1-based): chr2:190,931,576, A>G. VCF-style: chr2-190931576-A-G. GRCh37 (hg19) VCF-style: chr2-191796302-A-G.
Other names: c.1589A>G, p.Tyr530Cys (NM_001256310.2); short protein forms Y530C.
Identifiers: ClinVar variation 3372804 (VCV003372804.1).

ClinVar aggregate classification (germline): Uncertain significance (1 of 4 stars; one submission).

Submission:

GeneDx
Classification: Uncertain significance. Last evaluated: 2024-04-22. Review status: criteria provided, single submitter. Criteria: GeneDx Variant Classification Process June 2021. Collection method: clinical testing. Allele origin: germline. Affected: yes.
Comment: Not observed at significant frequency in large population cohorts (gnomAD); In silico analysis supports that this missense variant has a deleterious effect on protein structure/function; Has not been previously published as pathogenic or benign to our knowledge